The following is an entry in ClinVar:

NM_007294.4(BRCA1):c.2822A>C (p.Asn941Thr)

Gene: BRCA1 (BRCA1 DNA repair associated; minus strand). Cytogenetic location: 17q21.31.
Variant type: single nucleotide variant.
Coding change: c.2822A>C on transcript NM_007294.4 (MANE Select); coding-DNA position 2822, A replaced by C.
Protein change: p.Asn941Thr; replaces asparagine 941 with threonine.
Molecular consequence: missense variant. On other transcripts: intron variant (137).
Genome position (GRCh38, 1-based): chr17:43,092,709, T>G on the plus strand (A>C on the coding strand, the complement: BRCA1 is on the minus strand). VCF-style: chr17-43092709-T-G. GRCh37 (hg19) VCF-style: chr17-41244726-T-G.
Other names: c.2609A>C, p.Asn870Thr (NM_001407571.1, NM_001407853.1, NM_001407894.1 and 9 more transcripts); c.2822A>C, p.Asn941Thr (NM_001407581.1, NM_001407582.1, NM_001407583.1 and 30 more transcripts); c.2819A>C, p.Asn940Thr (NM_001407587.1, NM_001407590.1, NM_001407591.1 and 22 more transcripts); c.2813A>C, p.Asn938Thr (NM_001407646.1, NM_001407647.1); c.2699A>C, p.Asn900Thr (NM_001407648.1, NM_001407664.1, NM_001407665.1 and 19 more transcripts); c.2696A>C, p.Asn899Thr (NM_001407649.1, NM_001407670.1, NM_001407671.1 and 11 more transcripts); c.2744A>C, p.Asn915Thr (NM_001407653.1, NM_001407654.1, NM_001407655.1 and 4 more transcripts); c.2741A>C, p.Asn914Thr (NM_001407659.1, NM_001407660.1, NM_001407661.1 and 1 more transcripts); and 41 more; short protein forms N941T, N894T, N870T, N915T, N645T, N813T, N773T, N829T.
Identifiers: ClinVar variation 952178 (VCV000952178.14), dbSNP rs776512377, ClinGen allele CA10596348.

ClinVar aggregate classification (germline): Conflicting classifications of pathogenicity. Review status: criteria provided, conflicting classifications (1 of 4 stars). 3 submissions from 3 submitters: Uncertain significance (2); Likely benign (1). Last evaluated 2026-01-25.

Conditions:
Hereditary breast ovarian cancer syndrome. Also called: Hereditary breast and ovarian cancer; Hereditary breast and/or ovarian cancer syndrome; Hereditary breast and ovarian cancer syndrome; Hereditary breast and ovarian cancer syndrome (HBOC); BRCA1- and BRCA2-Associated Hereditary Breast and Ovarian Cancer; Breast and ovarian cancer. Identifiers: Orphanet 145, MedGen C0677776, MeSH D061325, MONDO:0003582. Disease mechanism: loss of function.
Hereditary cancer-predisposing syndrome. Also called: Tumor predisposition; Hereditary neoplastic syndrome; Neoplastic Syndromes, Hereditary; Hereditary Cancer Syndrome. Identifiers: Orphanet 140162, MedGen C0027672, MeSH D009386, MONDO:0015356.

Allele frequency attached by ClinVar (database versions not stated): TOPMed below 0.00001; gnomAD 0.00001.
gnomAD v4.1: 2 of 1,614,046 alleles (0.00012%); highest among the groups gnomAD compares: Non-Finnish European, 0.00017%; no homozygotes.

Submissions (3):

Labcorp Genetics (formerly Invitae), Labcorp
Classification: Uncertain significance for Hereditary breast ovarian cancer syndrome. Last evaluated: 2026-01-25. Review status: criteria provided, single submitter. Criteria: Invitae Variant Classification Sherloc (09022015). Collection method: clinical testing. Allele origin: germline.
Comment: This sequence change replaces asparagine, which is neutral and polar, with threonine, which is neutral and polar, at codon 941 of the BRCA1 protein (p.Asn941Thr). This variant is present in population databases (no rsID available, gnomAD no frequency). This variant has not been reported in the literature in individuals affected with BRCA1-related conditions. ClinVar contains an entry for this variant (Variation ID: 952178). Invitae Evidence Modeling of protein sequence and biophysical properties (such as structural, functional, and spatial information, amino acid conservation, physicochemical variation, residue mobility, and thermodynamic stability) indicates that this missense variant is not expected to disrupt BRCA1 protein function with a negative predictive value of 80%. In summary, the available evidence is currently insufficient to determine the role of this variant in disease. Therefore, it has been classified as a Variant of Uncertain Significance.

Ambry Genetics
Classification: Uncertain significance for Hereditary cancer-predisposing syndrome. Last evaluated: 2024-11-08. Review status: criteria provided, single submitter. Criteria: Ambry Variant Classification Scheme 2023. Collection method: clinical testing. Allele origin: germline.
Comment: The p.N941T variant (also known as c.2822A>C), located in coding exon 9 of the BRCA1 gene, results from an A to C substitution at nucleotide position 2822. The asparagine at codon 941 is replaced by threonine, an amino acid with similar properties. This amino acid position is not well conserved in available vertebrate species. In addition, this alteration is predicted to be tolerated by in silico analysis. Based on the available evidence, the clinical significance of this variant remains unclear.

University of Washington Department of Laboratory Medicine, University of Washington
Classification: Likely benign for Hereditary cancer-predisposing syndrome. Last evaluated: 2023-03-23. Review status: criteria provided, single submitter. Criteria: Dines et al. (Genet Med. 2020). Collection method: curation. Allele origin: germline.
Comment: Missense variant in a coldspot region where missense variants are very unlikely to be pathogenic (PMID:31911673).

BRCA1 coldspot (exon 11 using historical exon numbering). Reclassification based on statistical prior probability